The following is an entry in ClinVar:

ClinVar aggregate classification (germline): Uncertain significance. Review status: criteria provided, multiple submitters, no conflicts (2 of 4 stars). 5 submissions from 5 submitters: Uncertain significance (4). 1 of the submissions does not count toward it. Last evaluated 2026-02-18.

Conditions:
TNFRSF1A-related disorder. Also called: TNFRSF1A-related condition.
TNF receptor-associated periodic fever syndrome (TRAPS) (FPF). Also called: FAMILIAL HIBERNIAN FEVER; TNF RECEPTOR-ASSOCIATED PERIODIC SYNDROME; TUMOR NECROSIS FACTOR RECEPTOR-ASSOCIATED PERIODIC SYNDROME; TNF Receptor-Associated Periodic Fever Syndrome; TNF receptor 1-associated periodic fever syndrome; Autosomal Dominant Familial Periodic Fever. Identifiers: Orphanet 32960, MedGen C1275126, MONDO:0007727, OMIM 142680.

Allele frequency attached by ClinVar (database versions not stated): ExAC 0.00020; TOPMed 0.00021; ESP Exome Variant Server 0.00023; gnomAD 0.00016.
gnomAD v4.1: 288 of 1,601,418 alleles (0.018%); highest among the groups gnomAD compares: Non-Finnish European, 0.023%; no homozygotes.

Submissions (5):

PreventionGenetics, part of Exact Sciences
Classification: Uncertain significance for TNFRSF1A-related condition. Last evaluated: 2026-02-18. Review status: criteria provided, single submitter. Criteria: ACMG Guidelines, 2015. Collection method: clinical testing. Allele origin: germline.
Comment: The TNFRSF1A c.194-14G>A variant is predicted to interfere with splicing. This variant is predicted to activate a cryptic splice acceptor (SpliceAI, Jaganathan K, et al. 2019. PubMed ID: 30661751) and in vitro functional analyses suggests that aberrant splicing results in the addition of four amino acids (variant described as c.193-14G>A, Aksentijevich et al 2001. PubMed ID: 11443543). This variant has been reported in individuals with mild TNF receptor-associated periodic syndrome (TRAPS, Stojanov et al. 2014. PubMed ID: 18180277; Papa et al. 2021. PubMed ID: 33181346) and has been noted to segregate with the condition in at least one family (Aksentijevich et al 2001. PubMed ID: 11443543). The variant is reported in 0.027% of alleles in individuals of European (non-Finnish) descent in gnomAD and is classified as uncertain in ClinVar (Variation ID: 97654). Although we suspect this variant may be pathogenic, at this time the clinical significance is uncertain due to the absence of conclusive functional and genetic evidence.

GeneDx
Classification: Uncertain significance. Last evaluated: 2025-10-09. Review status: criteria provided, single submitter. Criteria: GeneDx Variant Classification Process June 2021. Collection method: clinical testing. Allele origin: germline. Affected: yes.
Comment: Published previously in association with TRAPS; however, the variant was also observed in unaffected family members and in an individual who had a remittance of symptoms (PMID: 18512793, 11443543, 16508982, 18180277); Functional studies have shown this variant creates a cryptic splice acceptor site, resulting in an insertion of four additional amino acids (PMID: 11443543); In silico analysis suggests this variant may impact gene splicing. In the absence of RNA/functional studies, the actual effect of this sequence change is unknown.; Reported previously using alternate nomenclature (c.193-14 G>A); This variant is associated with the following publications: (PMID: 12352631, 16508982, 25525159, 15228182, 19541728, 12209523, 18180277, 19877056, 13130484, 33181346, 28166811, 18512793, 11443543)

Labcorp Genetics (formerly Invitae), Labcorp
Classification: Uncertain significance for TNF receptor-associated periodic fever syndrome (TRAPS). Last evaluated: 2025-09-14. Review status: criteria provided, single submitter. Criteria: Invitae Variant Classification Sherloc (09022015). Collection method: clinical testing. Allele origin: germline.
Comment: This sequence change falls in intron 2 of the TNFRSF1A gene. It does not directly change the encoded amino acid sequence of the TNFRSF1A protein. RNA analysis indicates that this variant induces altered splicing and likely results in the gain of 4 amino acid residue(s), but is expected to preserve the integrity of the reading-frame. This variant is present in population databases (rs104895241, gnomAD 0.03%). This variant has been observed in individual(s) with tumor necrosis factor receptor–associated periodic syndrome (PMID: 11443543, 18180277). It has also been observed to segregate with disease in related individuals. ClinVar contains an entry for this variant (Variation ID: 97654). Studies have shown that this variant results in the activation of a cryptic splice site in intron 3 (PMID: 11443543). In summary, the available evidence is currently insufficient to determine the role of this variant in disease. Therefore, it has been classified as a Variant of Uncertain Significance.

CeGaT Center for Human Genetics Tuebingen
Classification: Uncertain significance. Last evaluated: 2022-06-01. Review status: criteria provided, single submitter. Criteria: CeGaT Center For Human Genetics Tuebingen Variant Classification Criteria Version 2. Collection method: clinical testing. Allele origin: germline. Affected: yes. Observed: 1 variant allele.
Comment: TNFRSF1A: PS4:Moderate, PM4:Supporting, PS3:Supporting

Unité médicale des maladies autoinflammatoires, CHRU Montpellier
No classification provided. Condition: TNF receptor-associated periodic fever syndrome (TRAPS). Review status: no classification provided. Collection method: not provided. Allele origin: unknown. Not counted in ClinVar's aggregate classification.

Literature cited by the submitters: PubMed 11443543 (cited by Labcorp Genetics (formerly Invitae), Labcorp); PubMed 18180277 (cited by Labcorp Genetics (formerly Invitae), Labcorp).

NM_001065.4(TNFRSF1A):c.194-14G>A

Gene: TNFRSF1A (TNF receptor superfamily member 1A; minus strand). Cytogenetic location: 12p13.31.
Variant type: single nucleotide variant.
Coding change: c.194-14G>A on transcript NM_001065.4 (MANE Select); 14 bases into the intron before coding-DNA position 194, G replaced by A.
Molecular consequence: intron variant.
Genome position (GRCh38, 1-based): chr12:6,333,879, C>T on the plus strand (G>A on the coding strand, the complement: TNFRSF1A is on the minus strand). VCF-style: chr12-6333879-C-T. GRCh37 (hg19) VCF-style: chr12-6443045-C-T.
Other names: c.-131-14G>A (NM_001346091.2); c.-384-14G>A (NM_001346092.2).
Identifiers: ClinVar variation 97654 (VCV000097654.43), dbSNP rs104895241, ClinGen allele CA280727.
Genomic context (GRCh38, chr12:6,333,879, plus strand): 5'-GTCCGTATCCTGCCCCGGGCCTGGACAGTCATTGTACAAGTAGGTTCCTGTGAATGGGGC[C>T]GCAGAGTTAGGCTGCGGGTGAGAACACAAGGAAGGAGCCCCATGCTAGGGACAACAGCCA-3'